The following is an entry in ClinVar:

NM_001754.5(RUNX1):c.1283dup (p.Leu429fs)

Gene: RUNX1 (RUNX family transcription factor 1; minus strand). Cytogenetic location: 21q22.12.
Variant type: Duplication.
Coding change: c.1283dup on transcript NM_001754.5 (MANE Select); coding-DNA position 1283, one base duplicated (T; older notation c.1283dupT).
Protein change: p.Leu429fs; shifts the reading frame from leucine 429.
Molecular consequence: frameshift variant.
Genome position (GRCh38, 1-based): chr21:34,792,295, A duplicated on the plus strand (T on the coding strand, the reverse complement: RUNX1 is on the minus strand). VCF-style (leftmost placement, unchanged base first): chr21-34792294-G-GA. GRCh37 (hg19) VCF-style: chr21-36164591-G-GA.
Other names: NM_001754.5(RUNX1):c.1283dup; p.Leu429fs; c.1283dupT (NM_001754.4); c.1202dup, p.Leu402fs (NM_001001890.3); short protein forms L402fs, L429fs.
Identifiers: ClinVar variation 409824 (VCV000409824.10), dbSNP rs1555884845, ClinGen allele CA16616491.

ClinVar aggregate classification (germline): Likely pathogenic. Review status: reviewed by expert panel (3 of 4 stars). 2 submissions from 2 submitters: Likely pathogenic (1). 1 of the submissions does not count toward it. Last evaluated 2026-10-15.

Conditions:
Hereditary thrombocytopenia and hematologic cancer predisposition syndrome. Identifiers: Orphanet 71290, MedGen CN281654, MONDO:0011071.
Hereditary thrombocytopenia and hematological cancer predisposition syndrome associated with RUNX1. Also called: PLATELET DISORDER, ASPIRIN-LIKE; Familial thrombocytopenia with propensity to acute myelogenous leukemia; RUNX1 Familial Platelet Disorder with Associated Myeloid Malignancies; Familial Platelet Disorder with Propensity to Acute Myelogenous Leukemia. Identifiers: Orphanet 71290, MedGen C1832388, MeSH C563324, MONDO:0100083, OMIM 601399.

Submissions (2):

ClinGen Myeloid Malignancy Variant Curation Expert Panel
Classification: Likely pathogenic for Hereditary thrombocytopenia and hematologic cancer predisposition syndrome. Last evaluated: 2026-10-15. Review status: reviewed by expert panel. Criteria: ClinGen MyeloMalig ACMG Specifications V3.1. Collection method: curation. Allele origin: germline. Inheritance: Autosomal dominant inheritance.
Comment: NM_001754.5:c.1283dup (p.Leu429fs) is a frameshift variant which is not predicted to undergo NMD (PVS1_Strong). This variant is downstream of c.98 (PM5_Supporting) and is completely absent from all population databases with at least 20x coverage for RUNX1 (PM2_Supporting). In summary, this variant meets criteria to be classified as likely pathogenic. ACMG/AMP criteria applied, as specified by the ClinGen Myeloid Malignancy Variant Curation Expert Panel for RUNX1: PVS1_Strong, PM5_Supporting, PM2_Supporting.

Labcorp Genetics (formerly Invitae), Labcorp
Classification: Uncertain significance for Hereditary thrombocytopenia and hematological cancer predisposition syndrome associated with RUNX1. Last evaluated: 2020-05-15. Review status: criteria provided, single submitter. Criteria: Invitae Variant Classification Sherloc (09022015). Collection method: clinical testing. Allele origin: germline. Not counted in ClinVar's aggregate classification.
Comment: In summary, this variant is a novel last exon frameshift with an uncertain impact on protein function. It has been classified as a Variant of Uncertain Significance. This variant disrupts the VWRPY motif (AAs 476-480) of the RUNX1 protein, which is required for binding to the transcriptional co-repressor Transducin-like enhancer of split (PMID: 9837750, 15749889). Although this motif is required for proper regulation of some RUNX1 target genes (PMID: 15749889, 14504086), deletion of this sequence does not significantly impact hematopoietic development or viability in mice (PMID: 14504086, 10594034). Therefore, the clinical significance of disrupting this domain is uncertain. This variant is not present in population databases (ExAC no frequency) and has not been reported in the literature in individuals with a RUNX1-related disease. This sequence change inserts 1 nucleotide in exon 9 of the RUNX1 mRNA (c.1283dupT), causing a frameshift at codon 429. This change is expected to alter the last 52 amino acids and to extend the RUNX1 protein beyond the natural translational stop signal by 119 amino acids (p.Leu429Profs*171).

Literature cited by the submitters: PubMed 9837750 (cited by Labcorp Genetics (formerly Invitae), Labcorp); PubMed 15749889 (cited by Labcorp Genetics (formerly Invitae), Labcorp); PubMed 14504086 (cited by Labcorp Genetics (formerly Invitae), Labcorp); PubMed 10594034 (cited by Labcorp Genetics (formerly Invitae), Labcorp).